The following is an entry in ClinVar:

ClinVar aggregate classification (germline): Uncertain significance (1 of 4 stars; one submission).

Conditions:
Hereditary cancer-predisposing syndrome. Also called: Neoplastic Syndromes, Hereditary; Hereditary neoplastic syndrome; Tumor predisposition; Hereditary Cancer Syndrome. Identifiers: Orphanet 140162, MedGen C0027672, MeSH D009386, MONDO:0015356.

Allele frequency attached by ClinVar (database versions not stated): gnomAD exomes below 0.00001.

Submission:

Ambry Genetics
Classification: Uncertain significance for Hereditary cancer-predisposing syndrome. Last evaluated: 2022-12-05. Review status: criteria provided, single submitter. Criteria: Ambry Variant Classification Scheme 2023. Collection method: clinical testing. Allele origin: germline.
Comment: The p.H802Y variant (also known as c.2404C>T), located in coding exon 17 of the KIT gene, results from a C to T substitution at nucleotide position 2404. The histidine at codon 802 is replaced by tyrosine, an amino acid with similar properties. This amino acid position is well conserved in available vertebrate species. In addition, this alteration is predicted to be tolerated by in silico analysis. Since supporting evidence is limited at this time, the clinical significance of this alteration remains unclear.

NM_000222.3(KIT):c.2404C>T (p.His802Tyr)

Gene: KIT (KIT proto-oncogene, receptor tyrosine kinase; plus strand). Cytogenetic location: 4q12.
Variant type: single nucleotide variant.
Coding change: c.2404C>T on transcript NM_000222.3 (MANE Select); coding-DNA position 2404, C replaced by T.
Protein change: p.His802Tyr; replaces histidine 802 with tyrosine.
Molecular consequence: missense variant.
Genome position (GRCh38, 1-based): chr4:54,733,112, C>T. VCF-style: chr4-54733112-C-T. GRCh37 (hg19) VCF-style: chr4-55599278-C-T.
Other names: c.2392C>T, p.His798Tyr (NM_001093772.2, NM_001385292.1); c.2407C>T, p.His803Tyr (NM_001385284.1); c.2401C>T, p.His801Tyr (NM_001385285.1); c.2389C>T, p.His797Tyr (NM_001385286.1); c.2395C>T, p.His799Tyr (NM_001385288.1); c.2404C>T, p.His802Tyr (NM_001385290.1); short protein forms H798Y, H802Y, H803Y, H801Y, H797Y, H799Y.
Identifiers: ClinVar variation 2496740 (VCV002496740.2), dbSNP rs1334674972, ClinGen allele CA356911602.